The following is an entry in ClinVar:

NM_005068.3(SIM1):c.1986T>A (p.Asn662Lys)

Gene: SIM1 (SIM bHLH transcription factor 1; minus strand). Cytogenetic location: 6q16.3.
Variant type: single nucleotide variant.
Coding change: c.1986T>A on transcript NM_005068.3 (MANE Select); coding-DNA position 1986, T replaced by A.
Protein change: p.Asn662Lys; replaces asparagine 662 with lysine.
Molecular consequence: missense variant.
Genome position (GRCh38, 1-based): chr6:100,390,676, A>T on the plus strand (T>A on the coding strand, the complement: SIM1 is on the minus strand). VCF-style: chr6-100390676-A-T. GRCh37 (hg19) VCF-style: chr6-100838552-A-T.
Other names: c.1986T>A, p.Asn662Lys (NM_001374769.1); short protein forms N662K.
Identifiers: ClinVar variation 5002520 (VCV005002520.1).

ClinVar aggregate classification (germline): Uncertain significance (1 of 4 stars; one submission).

Conditions:
SIM1-related disorder. Also called: SIM1-related disorders; SIM1-related condition.

Submission:

PreventionGenetics, part of Exact Sciences
Classification: Uncertain significance for SIM1-related condition. Last evaluated: 2025-07-31. Review status: criteria provided, single submitter. Criteria: ACMG Guidelines, 2015. Collection method: clinical testing. Allele origin: germline.
Comment: The SIM1 c.1986T>A variant is predicted to result in the amino acid substitution p.Asn662Lys. To our knowledge, this variant has not been reported in the literature or in a large population database (gnomAD), indicating this variant is rare. At this time, the clinical significance of this variant is uncertain due to the absence of conclusive functional and genetic evidence.